The following is an entry in ClinVar:

ClinVar aggregate classification (germline): Uncertain significance. Review status: criteria provided, multiple submitters, no conflicts (2 of 4 stars). 2 submissions from 2 submitters: Uncertain significance (2). Last evaluated 2025-03-20.

Conditions:
IKZF1-related disorder. Also called: IKZF1-related condition.

Submissions (2):

PreventionGenetics, part of Exact Sciences
Classification: Uncertain significance for IKZF1-related condition. Last evaluated: 2025-03-20. Review status: criteria provided, single submitter. Criteria: ACMG Guidelines, 2015. Collection method: clinical testing. Allele origin: germline.
Comment: The IKZF1 c.886_887delinsCT variant is predicted to result in an in-frame deletion and insertion. To our knowledge, this variant has not been reported in the literature or in a large population database (gnomAD), indicating this variant is rare. At this time, the clinical significance of this variant is uncertain due to the absence of conclusive functional and genetic evidence.

Labcorp Genetics (formerly Invitae), Labcorp
Classification: Uncertain significance. Last evaluated: 2025-02-13. Review status: criteria provided, single submitter. Criteria: Invitae Variant Classification Sherloc (09022015). Collection method: clinical testing. Allele origin: germline.
Comment: This sequence change replaces serine, which is neutral and polar, with leucine, which is neutral and non-polar, at codon 296 of the IKZF1 protein (p.Ser296Leu). This variant is present in population databases (no rsID available, gnomAD 0.0008%). This variant has not been reported in the literature in individuals affected with IKZF1-related conditions. An algorithm developed to predict the effect of missense changes on protein structure and function (PolyPhen-2) suggests that this variant is likely to be tolerated. In summary, the available evidence is currently insufficient to determine the role of this variant in disease. Therefore, it has been classified as a Variant of Uncertain Significance.

NM_006060.6(IKZF1):c.886_887inv (p.Ser296Leu)

Gene: IKZF1 (IKAROS family zinc finger 1; plus strand). Cytogenetic location: 7p12.2.
Variant type: Inversion.
Coding change: c.886_887inv on transcript NM_006060.6 (MANE Select).
Protein change: p.Ser296Leu; replaces serine 296 with leucine.
Molecular consequence: missense variant.
Genome position: GRCh38 VCF-style: chr7-50399953-AG-CT. GRCh37 (hg19) VCF-style: chr7-50467651-AG-CT.
Other names: c.760_761inv, p.Ser254Leu (NM_001220765.3, NM_001291837.2); c.595_596inv, p.Ser199Leu (NM_001220767.2); c.625_626inv, p.Ser209Leu (NM_001220768.2, NM_001291838.2); c.469_470inv, p.Ser157Leu (NM_001220770.2); c.457_458inv, p.Ser153Leu (NM_001220771.2, NM_001291841.1); c.499_500inv, p.Ser167Leu (NM_001291839.2); c.196_197inv, p.Ser66Leu (NM_001291840.1); c.427_428inv, p.Ser143Leu (NM_001291842.1); and 4 more; short protein forms S111L, S143L, S254L, S66L, S157L, S199L, S296L, S101L.
Identifiers: ClinVar variation 3698310 (VCV003698310.3).
Genomic context (GRCh38, chr7:50,399,953, plus strand): 5'-ACTCACTGTCGCCTGCTTTCCACAGGGGACAAGGGCCTGTCCGACACGCCCTACGACAGC[AG>CT]CGCCAGCTACGAGAAGGAGAACGAAATGATGAAGTCCCACGTGATGGACCAAGCCATCAA-3'
Protein context (NP_006051.1, residues 286-306): KGLSDTPYDS[Ser296Leu]ASYEKENEMM